The following is an entry in ClinVar:

NM_022489.4(INF2):c.3590C>T (p.Ala1197Val)

Gene: INF2 (inverted formin 2; plus strand). Cytogenetic location: 14q32.33.
Variant type: single nucleotide variant.
Coding change: c.3590C>T on transcript NM_022489.4 (MANE Select); coding-DNA position 3590, C replaced by T.
Protein change: p.Ala1197Val; replaces alanine 1197 with valine.
Molecular consequence: missense variant.
Genome position (GRCh38, 1-based): chr14:104,714,752, C>T. VCF-style: chr14-104714752-C-T. GRCh37 (hg19) VCF-style: chr14-105181089-C-T.
Other names: c.3590C>T, p.Ala1197Val (NM_001031714.4); short protein forms A1197V.
Identifiers: ClinVar variation 661549 (VCV000661549.17), dbSNP rs372714774, ClinGen allele CA7373312.
Genomic context (GRCh38, chr14:104,714,752, plus strand): 5'-AGGACACGGCCCCAGAGTCCGCACTGGACACATCCCTGGACAAGTCCTTCTCCGAGGATG[C>T]GGTGACCGACTCCTCGGGGTCGGGCACACTCCCCAGGGCCCGGGGCCGGGCCTCAAAGGG-3'
Protein context (NP_071934.3, residues 1187-1207): TSLDKSFSED[Ala1197Val]VTDSSGSGTL

ClinVar aggregate classification (germline): Conflicting classifications of pathogenicity. Review status: criteria provided, conflicting classifications (1 of 4 stars). 4 submissions from 4 submitters: Uncertain significance (1); Likely benign (3). Last evaluated 2026-05-21.

Conditions:
Charcot-Marie-Tooth disease dominant intermediate E. Also called: CHARCOT-MARIE-TOOTH NEUROPATHY WITH FOCAL SEGMENTAL GLOMERULONEPHRITIS. Identifiers: Orphanet 93114, MedGen C4302667, MONDO:0013758, OMIM 614455.
Focal segmental glomerulosclerosis 5 (FSGS5). Identifiers: Orphanet 656, MedGen C2750475, MONDO:0013191, OMIM 613237.
Inborn genetic diseases. Identifiers: MedGen C0950123, MeSH D030342.
INF2-related disorder. Also called: INF2-related condition.

Allele frequency attached by ClinVar (database versions not stated): gnomAD 0.00003 and 0.00005; TOPMed 0.00004; ExAC 0.00005; ESP Exome Variant Server 0.00008; gnomAD exomes 0.00008; 1000 Genomes Project 30x 0.00031.
gnomAD v4.1: 54 of 1,599,688 alleles (0.0034%); highest among the groups gnomAD compares: Middle Eastern, 0.05%; no homozygotes.

Submissions (4):

PreventionGenetics, part of Exact Sciences
Classification: Uncertain significance for INF2-related condition. Last evaluated: 2026-05-21. Review status: criteria provided, single submitter. Criteria: ACMG Guidelines, 2015. Collection method: clinical testing. Allele origin: germline.
Comment: The INF2 c.3590C>T variant is predicted to result in the amino acid substitution p.Ala1197Val. To our knowledge, this variant has not been reported in the literature. This variant is reported in 0.046% of alleles in individuals of East Asian descent in gnomAD. At this time, the clinical significance of this variant is uncertain due to the absence of conclusive functional and genetic evidence.

Labcorp Genetics (formerly Invitae), Labcorp
Classification: Likely benign for Charcot-Marie-Tooth disease dominant intermediate E; Focal segmental glomerulosclerosis 5. Last evaluated: 2025-05-28. Review status: criteria provided, single submitter. Criteria: Invitae Variant Classification Sherloc (09022015). Collection method: clinical testing. Allele origin: germline.

Ambry Genetics
Classification: Likely benign for Inborn genetic diseases. Last evaluated: 2019-08-28. Review status: criteria provided, single submitter. Criteria: Ambry Variant Classification Scheme 2023. Collection method: clinical testing. Allele origin: germline.

Illumina Laboratory Services, Illumina
Classification: Likely benign for Focal segmental glomerulosclerosis 5. Last evaluated: 2018-01-13. Review status: criteria provided, single submitter. Criteria: ICSL Variant Classification Criteria 13 December 2019. Collection method: clinical testing. Allele origin: germline.
Comment: This variant was observed in the ICSL laboratory as part of a predisposition screen in an ostensibly healthy population. It had not been previously curated by ICSL or reported in the Human Gene Mutation Database (HGMD: prior to June 1st, 2018), and was therefore a candidate for classification through an automated scoring system. Utilizing variant allele frequency, disease prevalence and penetrance estimates, and inheritance mode, an automated score was calculated to assess if this variant is too frequent to cause the disease. Based on the score and internal cut-off values, a variant classified as likely benign is not then subjected to further curation. The score for this variant resulted in a classification of likely benign for this disease.